The following is an entry in ClinVar:

NC_000005.9:g.(?_98189688)_(98240803_98262037)dup

Gene: CHD1 (chromodomain helicase DNA binding protein 1; minus strand). Cytogenetic location: 5q15-21.1.
Variant type: Duplication.
Identifiers: ClinVar variation 4536802 (VCV004536802.1).

ClinVar aggregate classification (germline): Uncertain significance (1 of 4 stars; one submission).

Submission:

Women's Health and Genetics/Laboratory Corporation of America, LabCorp
Classification: Uncertain significance. Last evaluated: 2025-11-12. Review status: criteria provided, single submitter. Criteria: LabCorp Variant Classification Summary - May 2015. Collection method: clinical testing. Allele origin: germline.
Comment: Variant summary: The variant involves the duplication of exons 3-36 in the CHD1 gene. A presumed nomenclature of c.(53+1_54-1)_(*2396_?)dup has been designated for the purposes of this classification. The exact breakpoint at the 3' end of this variant is unknown, therefore this duplication may extend downstream of the annotated region of the gene. As it duplicates the termination codon, its effect on the encoded protein is unknown. The variant was absent in 21694 control chromosomes. The available data on variant occurrences in the general population are insufficient to allow any conclusion about variant significance. To our knowledge, no occurrence of c.(53+1_54-1)_(*2396_?)dup in individuals affected with CHD1-related conditions and no experimental evidence demonstrating its impact on protein function have been reported. No submitters have cited clinical-significance assessments for this variant to ClinVar. Based on the evidence outlined above, the variant was classified as uncertain significance.